The following is an entry in ClinVar:

ClinVar aggregate classification (germline): Likely benign. Review status: criteria provided, multiple submitters, no conflicts (2 of 4 stars). 6 submissions from 6 submitters: Likely benign (6). Last evaluated 2026-01-08.

Conditions:
SUFU-related disorder. Also called: SUFU-related condition; SUFU-related disorders.
Hereditary cancer-predisposing syndrome. Also called: Hereditary neoplastic syndrome; Neoplastic Syndromes, Hereditary; Hereditary Cancer Syndrome; Tumor predisposition. Identifiers: Orphanet 140162, MedGen C0027672, MeSH D009386, MONDO:0015356.
Gorlin syndrome. Also called: Nevoid Basal Cell Carcinoma Syndrome; Basal cell nevus syndrome. Identifiers: Orphanet 377, MedGen C0004779, MONDO:0007187.
Medulloblastoma (MDB). Also called: MEDULLOBLASTOMA PREDISPOSITION SYNDROME; Medulloblastoma, somatic. Identifiers: Orphanet 616, MedGen C0025149, MeSH D008527, MONDO:0007959, OMIM 155255, HP:0002885.

Allele frequency attached by ClinVar (database versions not stated): ExAC 0.00001; gnomAD exomes 0.00002; gnomAD 0.00003; TOPMed 0.00005; ESP Exome Variant Server 0.00008.
gnomAD v4.1: 83 of 1,614,114 alleles (0.0051%); highest among the groups gnomAD compares: Non-Finnish European, 0.0063%; no homozygotes.

Submissions (6):

Labcorp Genetics (formerly Invitae), Labcorp
Classification: Likely benign for Gorlin syndrome; Medulloblastoma. Last evaluated: 2026-01-08. Review status: criteria provided, single submitter. Criteria: Invitae Variant Classification Sherloc (09022015). Collection method: clinical testing. Allele origin: germline.

PreventionGenetics, part of Exact Sciences
Classification: Likely benign for SUFU-related condition. Last evaluated: 2025-07-16. Review status: criteria provided, single submitter. Criteria: ACMG Guidelines, 2015. Collection method: clinical testing. Allele origin: germline.
Comment: This variant is classified as likely benign based on ACMG/AMP sequence variant interpretation guidelines (Richards et al. 2015 PMID: 25741868, with internal and published modifications).

Blueprint Genetics
Classification: Likely benign. Last evaluated: 2024-11-14. Review status: criteria provided, single submitter. Criteria: ACMG Guidelines, 2015. Collection method: clinical testing. Allele origin: germline.

CeGaT Center for Human Genetics Tuebingen
Classification: Likely benign. Last evaluated: 2024-09-01. Review status: criteria provided, single submitter. Criteria: CeGaT Center For Human Genetics Tuebingen Variant Classification Criteria Version 2. Collection method: clinical testing. Allele origin: germline. Affected: yes. Observed: 1 variant allele.
Comment: SUFU: BP4, BP7

ARUP Laboratories, Molecular Genetics and Genomics, ARUP Laboratories
Classification: Likely benign. Last evaluated: 2023-08-23. Review status: criteria provided, single submitter. Criteria: ARUP Molecular Germline Variant Investigation Process 2024. Collection method: clinical testing. Allele origin: germline.

Ambry Genetics
Classification: Likely benign for Hereditary cancer-predisposing syndrome. Last evaluated: 2018-07-16. Review status: criteria provided, single submitter. Criteria: Ambry Variant Classification Scheme 2023. Collection method: clinical testing. Allele origin: germline.

NM_016169.4(SUFU):c.666G>T (p.Leu222=)

Gene: SUFU (SUFU negative regulator of hedgehog signaling; plus strand). Cytogenetic location: 10q24.32.
Variant type: single nucleotide variant.
Coding change: c.666G>T on transcript NM_016169.4 (MANE Select); coding-DNA position 666, G replaced by T.
Protein change: p.Leu222=; no amino-acid change (leucine 222 retained).
Molecular consequence: synonymous variant.
Genome position (GRCh38, 1-based): chr10:102,593,704, G>T. VCF-style: chr10-102593704-G-T. GRCh37 (hg19) VCF-style: chr10-104353461-G-T.
Other names: c.666G>T, p.Leu222= (NM_001178133.2).
Identifiers: ClinVar variation 453971 (VCV000453971.33), dbSNP rs142383792, ClinGen allele CA5667738.
Genomic context (GRCh38, chr10:102,593,704, plus strand): 5'-TGTCTGCACTGAAGAGCTACACTCAGCCCAGCAGTGGAACGGGCAGGGCATCCTGGAGCT[G>T]CTGCGGACAGTGCCTATGTGAGTACCCATGCAAGGTGGGAGCGCGGCTCCCTGGGCCTGG-3'
Protein context (NP_057253.2, residues 212-232): QQWNGQGILE[Leu222=]LRTVPIAGGP